The following is an entry in ClinVar:

ClinVar aggregate classification (germline): Conflicting classifications of pathogenicity. Review status: criteria provided, conflicting classifications (1 of 4 stars). 2 submissions from 2 submitters: Uncertain significance (1); Likely benign (1). Last evaluated 2023-03-23.

Conditions:
Hereditary cancer-predisposing syndrome. Also called: Tumor predisposition; Hereditary neoplastic syndrome; Neoplastic Syndromes, Hereditary; Hereditary Cancer Syndrome. Identifiers: Orphanet 140162, MedGen C0027672, MeSH D009386, MONDO:0015356.
Hereditary breast ovarian cancer syndrome. Also called: BRCA1- and BRCA2-Associated Hereditary Breast and Ovarian Cancer; Hereditary breast and ovarian cancer; Hereditary breast and/or ovarian cancer syndrome; Hereditary breast and ovarian cancer syndrome; Hereditary breast and ovarian cancer syndrome (HBOC); Breast and ovarian cancer. Identifiers: Orphanet 145, MedGen C0677776, MeSH D061325, MONDO:0003582. Disease mechanism: loss of function.

Submissions (2):

University of Washington Department of Laboratory Medicine, University of Washington
Classification: Likely benign for Hereditary cancer-predisposing syndrome. Last evaluated: 2023-03-23. Review status: criteria provided, single submitter. Criteria: Dines et al. (Genet Med. 2020). Collection method: curation. Allele origin: germline.
Comment: Missense variant in a coldspot region where missense variants are very unlikely to be pathogenic (PMID:31911673).

BRCA2 exon 11 coldspot. Reclassification based on statistical prior probability.

Labcorp Genetics (formerly Invitae), Labcorp
Classification: Uncertain significance for Hereditary breast ovarian cancer syndrome. Last evaluated: 2021-11-16. Review status: criteria provided, single submitter. Criteria: Invitae Variant Classification Sherloc (09022015). Collection method: clinical testing. Allele origin: germline.
Comment: In summary, the available evidence is currently insufficient to determine the role of this variant in disease. Therefore, it has been classified as a Variant of Uncertain Significance. Advanced modeling of protein sequence and biophysical properties (such as structural, functional, and spatial information, amino acid conservation, physicochemical variation, residue mobility, and thermodynamic stability) performed at Invitae indicates that this missense variant is not expected to disrupt BRCA2 protein function. This sequence change replaces glutamic acid, which is acidic and polar, with valine, which is neutral and non-polar, at codon 1550 of the BRCA2 protein (p.Glu1550Val). This variant is not present in population databases (gnomAD no frequency). This variant has not been reported in the literature in individuals affected with BRCA2-related conditions.

NM_000059.4(BRCA2):c.4649A>T (p.Glu1550Val)

Gene: BRCA2 (BRCA2 DNA repair associated; plus strand). Cytogenetic location: 13q13.1.
Variant type: single nucleotide variant.
Coding change: c.4649A>T on transcript NM_000059.4 (MANE Select); coding-DNA position 4649, A replaced by T.
Protein change: p.Glu1550Val; replaces glutamic acid 1550 with valine.
Molecular consequence: missense variant.
Genome position (GRCh38, 1-based): chr13:32,339,004, A>T. VCF-style: chr13-32339004-A-T. GRCh37 (hg19) VCF-style: chr13-32913141-A-T.
Other names: short protein forms E1550V.
Identifiers: ClinVar variation 1498822 (VCV001498822.7), dbSNP rs876660887, ClinGen allele CA387782186.